The following is an entry in ClinVar:

NM_000807.4(GABRA2):c.1059+5636A>G

Gene: GABRA2 (gamma-aminobutyric acid type A receptor subunit alpha2; minus strand). Cytogenetic location: 4p12.
Variant type: single nucleotide variant.
Coding change: c.1059+5636A>G on transcript NM_000807.4 (MANE Select); 5636 bases into the intron after coding-DNA position 1059, A replaced by G.
Molecular consequence: intron variant. On other transcripts: missense variant (4).
Genome position (GRCh38, 1-based): chr4:46,256,290, T>C on the plus strand (A>G on the coding strand, the complement: GABRA2 is on the minus strand). VCF-style: chr4-46256290-T-C. GRCh37 (hg19) VCF-style: chr4-46258307-T-C.
Other names: c.979A>G, p.Lys327Glu (NM_001286827.3); c.1144A>G, p.Lys382Glu (NM_001330690.2, NM_001377144.1, NM_001377145.1); c.894+5636A>G (NM_001377154.1, NM_001377152.1, NM_001377153.1); c.1059+5636A>G (NM_001377146.1, NM_001377150.1, NM_001377147.1 and 4 more transcripts); short protein forms K327E, K382E.
Identifiers: ClinVar variation 1461485 (VCV001461485.6), dbSNP rs2109327676, ClinGen allele CA356803580.

ClinVar aggregate classification (germline): Uncertain significance (1 of 4 stars; one submission).

Submission:

Labcorp Genetics (formerly Invitae), Labcorp
Classification: Uncertain significance. Last evaluated: 2024-10-16. Review status: criteria provided, single submitter. Criteria: Invitae Variant Classification Sherloc (09022015). Collection method: clinical testing. Allele origin: germline.
Comment: This sequence change replaces lysine, which is basic and polar, with glutamic acid, which is acidic and polar, at codon 382 of the GABRA2 protein (p.Lys382Glu). This variant is not present in population databases (gnomAD no frequency). This variant has not been reported in the literature in individuals affected with GABRA2-related conditions. ClinVar contains an entry for this variant (Variation ID: 1461485). An algorithm developed to predict the effect of missense changes on protein structure and function (PolyPhen-2) suggests that this variant is likely to be tolerated. In summary, the available evidence is currently insufficient to determine the role of this variant in disease. Therefore, it has been classified as a Variant of Uncertain Significance.